The following is an entry in ClinVar:

ClinVar aggregate classification (germline): Conflicting classifications of pathogenicity. Review status: criteria provided, conflicting classifications (1 of 4 stars). 2 submissions from 2 submitters: Pathogenic (1); Uncertain significance (1). Last evaluated 2022-10-19.

Allele frequency attached by ClinVar (database versions not stated): ExAC 0.00001.

Submissions (2):

Blueprint Genetics
Classification: Uncertain significance. Last evaluated: 2022-10-19. Review status: criteria provided, single submitter. Criteria: ACMG Guidelines, 2015. Collection method: clinical testing. Allele origin: germline.

Labcorp Genetics (formerly Invitae), Labcorp
Classification: Pathogenic. Last evaluated: 2021-02-26. Review status: criteria provided, single submitter. Criteria: Invitae Variant Classification Sherloc (09022015). Collection method: clinical testing. Allele origin: germline.
Comment: For these reasons, this variant has been classified as Pathogenic. Algorithms developed to predict the effect of sequence changes on RNA splicing suggest that this variant may create or strengthen a splice site, but this prediction has not been confirmed by published transcriptional studies. This variant has not been reported in the literature in individuals with PDE6B-related conditions. This variant is present in population databases (rs754557819, ExAC 0.002%). This sequence change creates a premature translational stop signal (p.Lys819*) in the PDE6B gene. It is expected to result in an absent or disrupted protein product. Loss-of-function variants in PDE6B are known to be pathogenic (PMID: 8394174, 8595886, 22334370).

Literature cited by the submitters: PubMed 8394174 (cited by Labcorp Genetics (formerly Invitae), Labcorp); PubMed 8595886 (cited by Labcorp Genetics (formerly Invitae), Labcorp); PubMed 22334370 (cited by Labcorp Genetics (formerly Invitae), Labcorp).

NM_000283.4(PDE6B):c.2455A>T (p.Lys819Ter)

Gene: PDE6B (phosphodiesterase 6B; plus strand). Cytogenetic location: 4p16.3.
Variant type: single nucleotide variant.
Coding change: c.2455A>T on transcript NM_000283.4 (MANE Select); coding-DNA position 2455, A replaced by T.
Protein change: p.Lys819Ter; replaces lysine 819 with a stop codon.
Molecular consequence: nonsense. On other transcripts: intron variant (2).
Genome position (GRCh38, 1-based): chr4:667,958, A>T. VCF-style: chr4-667958-A-T. GRCh37 (hg19) VCF-style: chr4-661747-A-T.
Other names: c.2455A>T, p.Lys819Ter (NM_001145291.2); c.1618A>T, p.Lys540Ter (NM_001145292.2, NM_001379246.1, NM_001379247.1); c.1601+17A>T (NM_001350154.3); c.1283+17A>T (NM_001350155.3); short protein forms K819*, K540*.
Identifiers: ClinVar variation 1456526 (VCV001456526.7), dbSNP rs754557819, ClinGen allele CA2795065.